The following is an entry in ClinVar:

ClinVar aggregate classification (germline): Uncertain significance (1 of 4 stars; one submission).

Submission:

Labcorp Genetics (formerly Invitae), Labcorp
Classification: Uncertain significance. Last evaluated: 2024-05-20. Review status: criteria provided, single submitter. Criteria: Invitae Variant Classification Sherloc (09022015). Collection method: clinical testing. Allele origin: germline.
Comment: This sequence change replaces arginine, which is basic and polar, with glycine, which is neutral and non-polar, at codon 3545 of the KMT2A protein (p.Arg3545Gly). This variant is not present in population databases (gnomAD no frequency). This variant has not been reported in the literature in individuals affected with KMT2A-related conditions. Advanced modeling of protein sequence and biophysical properties (such as structural, functional, and spatial information, amino acid conservation, physicochemical variation, residue mobility, and thermodynamic stability) has been performed at Invitae for this missense variant, however the output from this modeling did not meet the statistical confidence thresholds required to predict the impact of this variant on KMT2A protein function. In summary, the available evidence is currently insufficient to determine the role of this variant in disease. Therefore, it has been classified as a Variant of Uncertain Significance.

NM_001197104.2(KMT2A):c.10633C>G (p.Arg3545Gly)

Gene: KMT2A (lysine methyltransferase 2A; plus strand). Cytogenetic location: 11q23.3.
Variant type: single nucleotide variant.
Coding change: c.10633C>G on transcript NM_001197104.2 (MANE Select); coding-DNA position 10633, C replaced by G.
Protein change: p.Arg3545Gly; replaces arginine 3545 with glycine.
Molecular consequence: missense variant.
Genome position (GRCh38, 1-based): chr11:118,506,525, C>G. VCF-style: chr11-118506525-C-G. GRCh37 (hg19) VCF-style: chr11-118377240-C-G.
Other names: c.10723C>G, p.Arg3575Gly (NM_001412597.1); c.10624C>G, p.Arg3542Gly (NM_005933.4); short protein forms R3542G, R3575G, R3545G.
Identifiers: ClinVar variation 3634362 (VCV003634362.2).